The following is an entry in ClinVar:

ClinVar aggregate classification (germline): Likely benign. Review status: reviewed by expert panel (3 of 4 stars). 7 submissions from 7 submitters: Likely benign (1). 6 of the submissions do not count toward it. Last evaluated 2017-06-29.

Conditions:
Breast and/or ovarian cancer. Identifiers: MedGen CN221562.
Hereditary cancer-predisposing syndrome. Also called: Neoplastic Syndromes, Hereditary; Tumor predisposition; Hereditary Cancer Syndrome; Hereditary neoplastic syndrome. Identifiers: Orphanet 140162, MedGen C0027672, MeSH D009386, MONDO:0015356.
Hereditary breast ovarian cancer syndrome. Also called: Hereditary breast and ovarian cancer syndrome; Hereditary breast and ovarian cancer; Hereditary breast and ovarian cancer syndrome (HBOC); Breast and ovarian cancer; Hereditary breast and/or ovarian cancer syndrome; BRCA1- and BRCA2-Associated Hereditary Breast and Ovarian Cancer. Identifiers: Orphanet 145, MedGen C0677776, MeSH D061325, MONDO:0003582. Disease mechanism: loss of function.
Breast-ovarian cancer, familial, susceptibility to, 2 (BROVCA2). Also called: BRCA2 Hereditary Breast and Ovarian Cancer. Identifiers: Orphanet 145, MedGen C2675520, MONDO:0012933, OMIM 612555. Disease mechanism: loss of function.

Allele frequency attached by ClinVar (database versions not stated): gnomAD 0.00001.
gnomAD v4.1: 4 of 1,614,084 alleles (0.00025%); highest among the groups gnomAD compares: Non-Finnish European, 0.00025%; no homozygotes.

Submissions (7):

Evidence-based Network for the Interpretation of Germline Mutant Alleles (ENIGMA)
Classification: Likely benign for Breast-ovarian cancer, familial, susceptibility to, 2. Last evaluated: 2017-06-29. Review status: reviewed by expert panel. Criteria: ENIGMA BRCA1/2 Classification Criteria (2017-06-29). Collection method: curation. Allele origin: germline.
Comment: Synonymous substitution variant, with low bioinformatic likelihood to result in a splicing aberration (Splicing prior probability 0.02).

Women's Health and Genetics/Laboratory Corporation of America, LabCorp
Classification: Likely benign. Last evaluated: 2026-06-19. Review status: criteria provided, single submitter. Criteria: LabCorp Variant Classification Summary - May 2015. Collection method: clinical testing. Allele origin: germline. Not counted in ClinVar's aggregate classification.

Labcorp Genetics (formerly Invitae), Labcorp
Classification: Likely benign for Hereditary breast ovarian cancer syndrome. Last evaluated: 2025-07-30. Review status: criteria provided, single submitter. Criteria: Invitae Variant Classification Sherloc (09022015). Collection method: clinical testing. Allele origin: germline. Not counted in ClinVar's aggregate classification.

Hereditary Cancer Laboratory, Hospital Universitario 12 de Octubre
Classification: Likely benign for Hereditary cancer-predisposing syndrome. Last evaluated: 2025-04-14. Review status: criteria provided, single submitter. Criteria: ACMG Guidelines, 2015. Collection method: clinical testing. Allele origin: germline. Not counted in ClinVar's aggregate classification.

Blueprint Genetics
Classification: Likely benign. Last evaluated: 2024-10-24. Review status: criteria provided, single submitter. Criteria: ACMG Guidelines, 2015. Collection method: clinical testing. Allele origin: germline. Not counted in ClinVar's aggregate classification.

CHEO Genetics Diagnostic Laboratory, Children's Hospital of Eastern Ontario
Classification: Likely benign for Breast and/or ovarian cancer. Last evaluated: 2021-09-20. Review status: criteria provided, single submitter. Criteria: ACMG Guidelines, 2015. Collection method: clinical testing. Allele origin: germline. Not counted in ClinVar's aggregate classification.

Ambry Genetics
Classification: Likely benign for Hereditary cancer-predisposing syndrome. Last evaluated: 2016-02-29. Review status: criteria provided, single submitter. Criteria: Ambry Variant Classification Scheme 2023. Collection method: clinical testing. Allele origin: germline. Not counted in ClinVar's aggregate classification.

NM_000059.4(BRCA2):c.8238A>C (p.Thr2746=)

Gene: BRCA2 (BRCA2 DNA repair associated; plus strand). Cytogenetic location: 13q13.1.
Variant type: single nucleotide variant.
Coding change: c.8238A>C on transcript NM_000059.4 (MANE Select); coding-DNA position 8238, A replaced by C.
Protein change: p.Thr2746=; no amino-acid change (threonine 2746 retained).
Molecular consequence: synonymous variant.
Genome position (GRCh38, 1-based): chr13:32,363,440, A>C. VCF-style: chr13-32363440-A-C. GRCh37 (hg19) VCF-style: chr13-32937577-A-C.
Identifiers: ClinVar variation 215620 (VCV000215620.22), dbSNP rs863224313, ClinGen allele CA335835.